The following is an entry in ClinVar:

NM_001270974.2(HYDIN):c.13938G>A (p.Thr4646=)

Gene: HYDIN (HYDIN axonemal central pair apparatus protein; minus strand). Cytogenetic location: 16q22.2.
Variant type: single nucleotide variant.
Coding change: c.13938G>A on transcript NM_001270974.2 (MANE Select); coding-DNA position 13938, G replaced by A.
Protein change: p.Thr4646=; no amino-acid change (threonine 4646 retained).
Molecular consequence: synonymous variant.
Genome position (GRCh38, 1-based): chr16:70,829,792, C>T on the plus strand (G>A on the coding strand, the complement: HYDIN is on the minus strand). VCF-style: chr16-70829792-C-T. GRCh37 (hg19) VCF-style: chr16-70863695-C-T.
Identifiers: ClinVar variation 2646693 (VCV002646693.25), dbSNP rs558557160, ClinGen allele CA283503976.

ClinVar aggregate classification (germline): Likely benign. Review status: criteria provided, multiple submitters, no conflicts (2 of 4 stars). 2 submissions from 2 submitters: Likely benign (2). Last evaluated 2024-08-28.

Allele frequency attached by ClinVar (database versions not stated): gnomAD 0.00010; gnomAD exomes 0.00010; 1000 Genomes Project 30x 0.00016; 1000 Genomes Project 0.00020.
gnomAD v4.1: 165 of 1,614,022 alleles (0.01%); highest among the groups gnomAD compares: Middle Eastern, 0.15%; no homozygotes.

Submissions (2):

Blueprint Genetics
Classification: Likely benign. Last evaluated: 2024-08-28. Review status: criteria provided, single submitter. Criteria: ACMG Guidelines, 2015. Collection method: clinical testing. Allele origin: germline.

CeGaT Center for Human Genetics Tuebingen
Classification: Likely benign. Last evaluated: 2023-02-01. Review status: criteria provided, single submitter. Criteria: CeGaT Center For Human Genetics Tuebingen Variant Classification Criteria Version 2. Collection method: clinical testing. Allele origin: germline. Affected: yes. Observed: 1 variant allele.
Comment: HYDIN: BP4, BP7